The following is an entry in ClinVar:

ClinVar aggregate classification (germline): Uncertain significance (1 of 4 stars; one submission).

Allele frequency attached by ClinVar (database versions not stated): gnomAD exomes below 0.00001.
gnomAD v4.1: 1 of 1,549,300 alleles (0.000065%); highest among the groups gnomAD compares: Non-Finnish European, 0.000087%; no homozygotes.

Submission:

Labcorp Genetics (formerly Invitae), Labcorp
Classification: Uncertain significance. Last evaluated: 2020-04-30. Review status: criteria provided, single submitter. Criteria: Invitae Variant Classification Sherloc (09022015). Collection method: clinical testing. Allele origin: germline.
Comment: In summary, the available evidence is currently insufficient to determine the role of this variant in disease. Therefore, it has been classified as a Variant of Uncertain Significance. Algorithms developed to predict the effect of sequence changes on RNA splicing suggest that this variant may create or strengthen a splice site, but this prediction has not been confirmed by published transcriptional studies. Algorithms developed to predict the effect of missense changes on protein structure and function are either unavailable or do not agree on the potential impact of this missense change (SIFT: "Deleterious"; PolyPhen-2: "Benign"; Align-GVGD: "Class C0"). This variant has not been reported in the literature in individuals with PLEKHM2-related conditions. This variant is not present in population databases (ExAC no frequency). This sequence change replaces aspartic acid with glycine at codon 238 of the PLEKHM2 protein (p.Asp238Gly). The aspartic acid residue is weakly conserved and there is a moderate physicochemical difference between aspartic acid and glycine.

NM_015164.4(PLEKHM2):c.713A>G (p.Asp238Gly)

Gene: PLEKHM2 (pleckstrin homology and RUN domain containing M2; plus strand). Cytogenetic location: 1p36.21.
Variant type: single nucleotide variant.
Coding change: c.713A>G on transcript NM_015164.4 (MANE Select); coding-DNA position 713, A replaced by G.
Protein change: p.Asp238Gly; replaces aspartic acid 238 with glycine.
Molecular consequence: missense variant.
Genome position (GRCh38, 1-based): chr1:15,725,317, A>G. VCF-style: chr1-15725317-A-G. GRCh37 (hg19) VCF-style: chr1-16051812-A-G.
Other names: short protein forms D238G.
Identifiers: ClinVar variation 1044147 (VCV001044147.8), dbSNP rs2068048289, ClinGen allele CA338582682.